The following is an entry in ClinVar:

ClinVar aggregate classification (germline): Uncertain significance. Review status: criteria provided, multiple submitters, no conflicts (2 of 4 stars). 2 submissions from 2 submitters: Uncertain significance (2). Last evaluated 2024-11-25.

Conditions:
Inborn genetic diseases. Identifiers: MedGen C0950123, MeSH D030342.

gnomAD v4.1: 51 of 1,613,574 alleles (0.0032%); highest among the groups gnomAD compares: Non-Finnish European, 0.0037%; no homozygotes.

Submissions (2):

Ambry Genetics
Classification: Uncertain significance for Inborn genetic diseases. Last evaluated: 2024-11-25. Review status: criteria provided, single submitter. Criteria: Ambry Variant Classification Scheme 2023. Collection method: clinical testing. Allele origin: germline.

Labcorp Genetics (formerly Invitae), Labcorp
Classification: Uncertain significance. Last evaluated: 2024-04-10. Review status: criteria provided, single submitter. Criteria: Invitae Variant Classification Sherloc (09022015). Collection method: clinical testing. Allele origin: germline.
Comment: This sequence change replaces arginine, which is basic and polar, with histidine, which is basic and polar, at codon 122 of the IGF1 protein (p.Arg122His). This variant is present in population databases (rs377124814, gnomAD 0.006%). This variant has not been reported in the literature in individuals affected with IGF1-related conditions. An algorithm developed to predict the effect of missense changes on protein structure and function (PolyPhen-2) suggests that this variant is likely to be disruptive. In summary, the available evidence is currently insufficient to determine the role of this variant in disease. Therefore, it has been classified as a Variant of Uncertain Significance.

NM_000618.5(IGF1):c.365G>A (p.Arg122His)

Genes: IGF1 (insulin like growth factor 1; minus strand), LINC02456 (long intergenic non-protein coding RNA 2456; plus strand). Cytogenetic location: 12q23.2.
Variant type: single nucleotide variant.
Coding change: c.365G>A on transcript NM_000618.5 (MANE Select); coding-DNA position 365, G replaced by A.
Protein change: p.Arg122His; replaces arginine 122 with histidine.
Molecular consequence: missense variant.
Genome position (GRCh38, 1-based): chr12:102,419,546, C>T on the plus strand (G>A on the coding strand, the complement: IGF1 is on the minus strand). VCF-style: chr12-102419546-C-T. GRCh37 (hg19) VCF-style: chr12-102813324-C-T.
Other names: c.365G>A, p.Arg122His (NM_001111283.3, NM_001111285.3, NM_001414005.1 and 1 more transcripts); c.317G>A, p.Arg106His (NM_001111284.2, NM_001414006.1); short protein forms R106H, R122H.
Identifiers: ClinVar variation 3528030 (VCV003528030.3).
Genomic context (GRCh38, chr12:102,419,546, plus strand): 5'-GGATCCCACCCAGGTGGGCTTACCTTCTGGGTCTTGGGCATGTCGGTGTGGCGCTGGGCA[C>T]GGACAGAGCGAGCTGACTTGGCAGGCTTGAGGGGTGCGCAATACATCTCCAGCCTCCTTA-3'
Protein context (NP_000609.1, residues 112-132): LKPAKSARSV[Arg122His]AQRHTDMPKT